The following is an entry in ClinVar:

NM_000059.4(BRCA2):c.10010A>C (p.Asn3337Thr)

Gene: BRCA2 (BRCA2 DNA repair associated; plus strand). Cytogenetic location: 13q13.1.
Variant type: single nucleotide variant.
Coding change: c.10010A>C on transcript NM_000059.4 (MANE Select); coding-DNA position 10010, A replaced by C.
Protein change: p.Asn3337Thr; replaces asparagine 3337 with threonine.
Molecular consequence: missense variant.
Genome position (GRCh38, 1-based): chr13:32,398,523, A>C. VCF-style: chr13-32398523-A-C. GRCh37 (hg19) VCF-style: chr13-32972660-A-C.
Other names: short protein forms N3337T.
Identifiers: ClinVar variation 850231 (VCV000850231.17), dbSNP rs1190232913, ClinGen allele CA387767702.

ClinVar aggregate classification (germline): Uncertain significance. Review status: criteria provided, multiple submitters, no conflicts (2 of 4 stars). 4 submissions from 4 submitters: Uncertain significance (4). Last evaluated 2025-05-05.

Conditions:
Hereditary cancer-predisposing syndrome. Also called: Tumor predisposition; Neoplastic Syndromes, Hereditary; Hereditary neoplastic syndrome; Hereditary Cancer Syndrome. Identifiers: Orphanet 140162, MedGen C0027672, MeSH D009386, MONDO:0015356.
Hereditary breast ovarian cancer syndrome. Also called: Hereditary breast and ovarian cancer syndrome; Breast and ovarian cancer; Hereditary breast and/or ovarian cancer syndrome; Hereditary breast and ovarian cancer; BRCA1- and BRCA2-Associated Hereditary Breast and Ovarian Cancer; Hereditary breast and ovarian cancer syndrome (HBOC). Identifiers: Orphanet 145, MedGen C0677776, MeSH D061325, MONDO:0003582. Disease mechanism: loss of function.

Allele frequency attached by ClinVar (database versions not stated): gnomAD exomes 0.00001.
gnomAD v4.1: 4 of 1,614,172 alleles (0.00025%); highest among the groups gnomAD compares: Non-Finnish European, 0.000085%; no homozygotes.

Submissions (4):

Ambry Genetics
Classification: Uncertain significance for Hereditary cancer-predisposing syndrome. Last evaluated: 2025-05-05. Review status: criteria provided, single submitter. Criteria: Ambry Variant Classification Scheme 2023. Collection method: clinical testing. Allele origin: germline.
Comment: The p.N3337T variant (also known as c.10010A>C), located in coding exon 26 of the BRCA2 gene, results from an A to C substitution at nucleotide position 10010. The asparagine at codon 3337 is replaced by threonine, an amino acid with similar properties. This amino acid position is conserved. In addition, this alteration is predicted to be tolerated by in silico analysis. Based on the available evidence, the clinical significance of this variant remains unclear.

Color Diagnostics, LLC DBA Color Health
Classification: Uncertain significance for Hereditary cancer-predisposing syndrome. Last evaluated: 2023-12-05. Review status: criteria provided, single submitter. Criteria: ACMG Guidelines, 2015. Collection method: clinical testing. Allele origin: germline.
Comment: This missense variant replaces asparagine with threonine at codon 3337 of the BRCA2 protein. Computational prediction tools and conservation analyses are inconclusive regarding the impact of this variant on the protein function. Computational splicing tools suggest that this variant may not impact RNA splicing. To our knowledge, functional assays have not been performed for this variant nor has this variant been reported in individuals affected with hereditary cancer in the literature. This variant has not been identified in the general population by the Genome Aggregation Database (gnomAD). Available evidence is insufficient to determine the role of this variant in disease conclusively. Therefore, this variant is classified as a Variant of Uncertain Significance.

Sema4
Classification: Uncertain significance for Hereditary cancer-predisposing syndrome. Last evaluated: 2021-08-10. Review status: criteria provided, single submitter. Criteria: Sema4 Curation Guidelines. Collection method: curation. Allele origin: germline.
Comment: The BRCA2 c.10010A>C (p.N3337T) variant has not been reported in the literature to our knowledge. It was not observed in the large and broad cohorts of the Genome Aggregation Database. The variant has been reported in ClinVar (Variation ID 850231). Functional studies have not been performed, and in silico predictions of the variant's effect on protein function are inconclusive. The evidence is insufficient to meet ACMG/AMP criteria for classifying the variant as benign or pathogenic. Thus, the clinical significance of this variant is currently uncertain.

Labcorp Genetics (formerly Invitae), Labcorp
Classification: Uncertain significance for Hereditary breast ovarian cancer syndrome. Last evaluated: 2019-02-04. Review status: criteria provided, single submitter. Criteria: Invitae Variant Classification Sherloc (09022015). Collection method: clinical testing. Allele origin: germline.
Comment: Algorithms developed to predict the effect of missense changes on protein structure and function are either unavailable or do not agree on the potential impact of this missense change (SIFT: "Tolerated"; PolyPhen-2: "Possibly Damaging"; Align-GVGD: "Class C0"). This variant has not been reported in the literature in individuals with BRCA2-related conditions. This variant is not present in population databases (ExAC no frequency). This sequence change replaces asparagine with threonine at codon 3337 of the BRCA2 protein (p.Asn3337Thr). The asparagine residue is weakly conserved and there is a small physicochemical difference between asparagine and threonine. In summary, the available evidence is currently insufficient to determine the role of this variant in disease. Therefore, it has been classified as a Variant of Uncertain Significance.